The following is an entry in ClinVar:

ClinVar aggregate classification (germline): Uncertain significance (1 of 4 stars; one submission).

gnomAD v4.1: 1 of 1,613,712 alleles (0.000062%); highest among the groups gnomAD compares: Non-Finnish European, 0.000085%; no homozygotes.

Submission:

GeneDx
Classification: Uncertain significance. Last evaluated: 2025-05-19. Review status: criteria provided, single submitter. Criteria: GeneDx Variant Classification Process June 2021. Collection method: clinical testing. Allele origin: germline. Affected: yes.
Comment: Not observed at significant frequency in large population cohorts (gnomAD); In silico analysis suggests that this missense variant does not alter protein structure/function; Has not been previously published as pathogenic or benign to our knowledge

NM_018489.3(ASH1L):c.2905A>G (p.Lys969Glu)

Gene: ASH1L (ASH1 like histone lysine methyltransferase; minus strand). Cytogenetic location: 1q22.
Variant type: single nucleotide variant.
Coding change: c.2905A>G on transcript NM_018489.3 (MANE Select); coding-DNA position 2905, A replaced by G.
Protein change: p.Lys969Glu; replaces lysine 969 with glutamic acid.
Molecular consequence: missense variant.
Genome position (GRCh38, 1-based): chr1:155,479,965, T>C on the plus strand (A>G on the coding strand, the complement: ASH1L is on the minus strand). VCF-style: chr1-155479965-T-C. GRCh37 (hg19) VCF-style: chr1-155449756-T-C.
Other names: c.2905A>G, p.Lys969Glu (NM_001366177.2); short protein forms K969E.
Identifiers: ClinVar variation 4530914 (VCV004530914.1).